The following is an entry in ClinVar:

NM_007186.6(CEP250):c.3463C>T (p.Arg1155Ter)

Gene: CEP250 (centrosomal protein 250; plus strand). Cytogenetic location: 20q11.22.
Variant type: single nucleotide variant.
Coding change: c.3463C>T on transcript NM_007186.6 (MANE Select); coding-DNA position 3463, C replaced by T.
Protein change: p.Arg1155Ter; replaces arginine 1155 with a stop codon.
Molecular consequence: nonsense.
Genome position (GRCh38, 1-based): chr20:35,497,875, C>T. VCF-style: chr20-35497875-C-T. GRCh37 (hg19) VCF-style: chr20-34085704-C-T.
Other names: c.1567C>T, p.Arg523Ter (NM_001318219.1); c.3463C>T (NM_007186.4); short protein forms R1155*, R523*.
Identifiers: ClinVar variation 620658 (VCV000620658.6), dbSNP rs749314857, ClinGen allele CA9833471.

ClinVar aggregate classification (germline): Pathogenic/Likely pathogenic. Review status: criteria provided, multiple submitters, no conflicts (2 of 4 stars). 5 submissions from 5 submitters: Pathogenic (2); Likely pathogenic (1). 2 of the submissions do not count toward it. Last evaluated 2025-07-23.

Conditions:
Usher syndrome. Also called: Usher Syndromes; Usher's syndrome. Identifiers: Orphanet 886, MedGen CN469326, MeSH D052245, MONDO:0019501. Disease mechanism: loss of function.
Cone-rod dystrophy and hearing loss 2 (CRDHL2). Identifiers: MedGen C5193051, MONDO:0020780, OMIM 618358.

Allele frequency attached by ClinVar (database versions not stated): gnomAD exomes below 0.00001 and 0.00001; TOPMed 0.00001; ExAC 0.00002.
gnomAD v4.1: 4 of 1,599,046 alleles (0.00025%); highest among the groups gnomAD compares: Non-Finnish European, 0.00034%; no homozygotes.

Submissions (5):

GeneDx
Classification: Pathogenic. Last evaluated: 2025-07-23. Review status: criteria provided, single submitter. Criteria: GeneDx Variant Classification Process June 2021. Collection method: clinical testing. Allele origin: germline. Affected: yes.
Comment: Observed in the homozygous state in multiple individuals within a single family with hearing loss and mild to severe retinitis pigmentosa (RP) in published literature (PMID: 24780881); of note, members of this family with the hearing loss and severe RP were also identified to be homozygous for a second variant that may be associated with disease (PMID: 24780881); Nonsense variant predicted to result in protein truncation or nonsense mediated decay in a gene for which loss of function is a known mechanism of disease; Not observed at significant frequency in large population cohorts (gnomAD); This variant is associated with the following publications: (PMID: Samer2014[Abstract], 31456290, 37240188, 37445847, 24780881)

Labcorp Genetics (formerly Invitae), Labcorp
Classification: Pathogenic. Last evaluated: 2024-02-20. Review status: criteria provided, single submitter. Criteria: Invitae Variant Classification Sherloc (09022015). Collection method: clinical testing. Allele origin: germline.
Comment: This sequence change creates a premature translational stop signal (p.Arg1155*) in the CEP250 gene. It is expected to result in an absent or disrupted protein product. Loss-of-function variants in CEP250 are known to be pathogenic (PMID: 24780881, 29718797). The frequency data for this variant in the population databases is considered unreliable, as metrics indicate poor data quality at this position in the gnomAD database. This premature translational stop signal has been observed in individual(s) with Usher syndrome (PMID: 24780881, 31456290). ClinVar contains an entry for this variant (Variation ID: 620658). For these reasons, this variant has been classified as Pathogenic.

SIB Swiss Institute of Bioinformatics
Classification: Likely pathogenic for Cone-rod dystrophy and hearing loss 2. Last evaluated: 2020-02-14. Review status: criteria provided, single submitter. Criteria: ACMG Guidelines, 2015. Collection method: curation. Allele origin: unknown.
Comment: This variant is interpreted as likely pathogenic for Cone-rod dystrophy and hearing loss 2, autosomal recessive. The following ACMG Tag(s) were applied: PM2, PP1, PVS1-Strong.

Sharon lab, Hadassah-Hebrew University Medical Center
Classification: Pathogenic for Usher syndrome. Last evaluated: 2019-06-23. Review status: no assertion criteria provided. Collection method: research. Allele origin: inherited. Affected: yes. Not counted in ClinVar's aggregate classification.

OMIM
Classification: Pathogenic for CONE-ROD DYSTROPHY AND HEARING LOSS 2. Last evaluated: 2019-03-14. Review status: no assertion criteria provided. Collection method: literature only. Allele origin: germline. Not counted in ClinVar's aggregate classification.

Literature cited by the submitters: PubMed 24780881 (cited by 3 submitters); PubMed 29718797 (cited by Labcorp Genetics (formerly Invitae), Labcorp); PubMed 31456290 (cited by Labcorp Genetics (formerly Invitae), Labcorp).